The following is an entry in ClinVar:

NM_001130009.3(GEN1):c.155A>G (p.His52Arg)

Gene: GEN1 (GEN1 structure-specific endonuclease; plus strand). Cytogenetic location: 2p24.2.
Variant type: single nucleotide variant.
Coding change: c.155A>G on transcript NM_001130009.3 (MANE Select); coding-DNA position 155, A replaced by G.
Protein change: p.His52Arg; replaces histidine 52 with arginine.
Molecular consequence: missense variant.
Genome position (GRCh38, 1-based): chr2:17,760,098, A>G. VCF-style: chr2-17760098-A-G. GRCh37 (hg19) VCF-style: chr2-17941365-A-G.
Other names: c.155A>G, p.His52Arg (NM_182625.5); short protein forms H52R.
Identifiers: ClinVar variation 4858008 (VCV004858008.1).

ClinVar aggregate classification (germline): Uncertain significance (1 of 4 stars; one submission).

Submission:

Ambry Genetics
Classification: Uncertain significance. Last evaluated: 2026-06-06. Review status: criteria provided, single submitter. Criteria: Ambry Variant Classification Scheme 2023. Collection method: clinical testing. Allele origin: germline.
Comment: The p.H52R variant (also known as c.155A>G), located in coding exon 1 of the GEN1 gene, results from an A to G substitution at nucleotide position 155. The histidine at codon 52 is replaced by arginine, an amino acid with highly similar properties. This amino acid position is conserved. In addition, this alteration is predicted to be deleterious by in silico analysis. Based on the available evidence, the clinical significance of this variant remains unclear.